The following is an entry in ClinVar:

NM_020812.4(DOCK6):c.4218A>T (p.Ser1406=)

Genes: DOCK6 (dedicator of cytokinesis 6; minus strand), DOCK6-AS1 (DOCK6 antisense RNA 1; plus strand). Cytogenetic location: 19p13.2.
Variant type: single nucleotide variant.
Coding change: c.4218A>T on transcript NM_020812.4 (MANE Select); coding-DNA position 4218, A replaced by T.
Protein change: p.Ser1406=; no amino-acid change (serine 1406 retained).
Molecular consequence: synonymous variant.
Genome position (GRCh38, 1-based): chr19:11,214,395, T>A on the plus strand (A>T on the coding strand, the complement: DOCK6 is on the minus strand). VCF-style: chr19-11214395-T-A. GRCh37 (hg19) VCF-style: chr19-11325071-T-A.
Other names: c.4323A>T, p.Ser1441= (NM_001367830.1).
Identifiers: ClinVar variation 740828 (VCV000740828.11), dbSNP rs374029485, ClinGen allele CA9206924.

ClinVar aggregate classification (germline): Likely benign. Review status: criteria provided, single submitter (1 of 4 stars). 2 submissions from 2 submitters: Likely benign (1). 1 of the submissions does not count toward it. Last evaluated 2025-05-27.

Conditions:
DOCK6-related disorder. Also called: DOCK6-related condition.

Allele frequency attached by ClinVar (database versions not stated): gnomAD 0.00006 and 0.00007; TOPMed 0.00006; ESP Exome Variant Server 0.00008; ExAC 0.00002; gnomAD exomes 0.00002.
gnomAD v4.1: 36 of 1,613,666 alleles (0.0022%); highest among the groups gnomAD compares: African/African-American, 0.021%; no homozygotes.

Submissions (2):

Labcorp Genetics (formerly Invitae), Labcorp
Classification: Likely benign. Last evaluated: 2025-05-27. Review status: criteria provided, single submitter. Criteria: Invitae Variant Classification Sherloc (09022015). Collection method: clinical testing. Allele origin: germline.

PreventionGenetics, part of Exact Sciences
Classification: Likely benign for DOCK6-related condition. Last evaluated: 2023-11-27. Review status: no assertion criteria provided. Collection method: clinical testing. Allele origin: germline. Not counted in ClinVar's aggregate classification.
Comment: This variant is classified as likely benign based on ACMG/AMP sequence variant interpretation guidelines (Richards et al. 2015 PMID: 25741868, with internal and published modifications).